The following is an entry in ClinVar:

ClinVar aggregate classification (germline): Uncertain significance. Review status: criteria provided, multiple submitters, no conflicts (2 of 4 stars). 2 submissions from 2 submitters: Uncertain significance (2). Last evaluated 2024-08-26.

Conditions:
Inborn genetic diseases. Identifiers: MedGen C0950123, MeSH D030342.

Allele frequency attached by ClinVar (database versions not stated): gnomAD 0.00004; TOPMed 0.00007.
gnomAD v4.1: 91 of 1,613,510 alleles (0.0056%); highest among the groups gnomAD compares: Middle Eastern, 0.016%; no homozygotes.

Submissions (2):

Ambry Genetics
Classification: Uncertain significance for Inborn genetic diseases. Last evaluated: 2024-08-26. Review status: criteria provided, single submitter. Criteria: Ambry Variant Classification Scheme 2023. Collection method: clinical testing. Allele origin: germline.

Labcorp Genetics (formerly Invitae), Labcorp
Classification: Uncertain significance. Last evaluated: 2022-08-23. Review status: criteria provided, single submitter. Criteria: Invitae Variant Classification Sherloc (09022015). Collection method: clinical testing. Allele origin: germline.
Comment: This sequence change replaces proline, which is neutral and non-polar, with leucine, which is neutral and non-polar, at codon 681 of the TELO2 protein (p.Pro681Leu). This variant is present in population databases (rs758752952, gnomAD 0.01%). This variant has not been reported in the literature in individuals affected with TELO2-related conditions. Algorithms developed to predict the effect of missense changes on protein structure and function are either unavailable or do not agree on the potential impact of this missense change (SIFT: "Deleterious"; PolyPhen-2: "Benign"; Align-GVGD: "Class C0"). In summary, the available evidence is currently insufficient to determine the role of this variant in disease. Therefore, it has been classified as a Variant of Uncertain Significance.

NM_016111.4(TELO2):c.2042C>T (p.Pro681Leu)

Gene: TELO2 (telomere maintenance 2; plus strand). Cytogenetic location: 16p13.3.
Variant type: single nucleotide variant.
Coding change: c.2042C>T on transcript NM_016111.4 (MANE Select); coding-DNA position 2042, C replaced by T.
Protein change: p.Pro681Leu; replaces proline 681 with leucine.
Molecular consequence: missense variant.
Genome position (GRCh38, 1-based): chr16:1,506,245, C>T. VCF-style: chr16-1506245-C-T. GRCh37 (hg19) VCF-style: chr16-1556246-C-T.
Other names: c.2042C>T, p.Pro681Leu (NM_001351846.2); short protein forms P681L.
Identifiers: ClinVar variation 2084838 (VCV002084838.3), dbSNP rs758752952, ClinGen allele CA7812462.